The following is an entry in ClinVar:

ClinVar aggregate classification (germline): Uncertain significance (1 of 4 stars; one submission).

Conditions:
Hajdu-Cheney syndrome (HJCYS). Also called: Acroosteolysis dominant type; SERPENTINE FIBULA-POLYCYSTIC KIDNEY SYNDROME; ACROOSTEOLYSIS WITH OSTEOPOROSIS AND CHANGES IN SKULL AND MANDIBLE. Identifiers: Orphanet 955, MedGen C0917715, MONDO:0007057, OMIM 102500.

Submission:

Labcorp Genetics (formerly Invitae), Labcorp
Classification: Uncertain significance for Hajdu-Cheney syndrome. Last evaluated: 2025-12-06. Review status: criteria provided, single submitter. Criteria: Invitae Variant Classification Sherloc (09022015). Collection method: clinical testing. Allele origin: germline.
Comment: This sequence change replaces alanine, which is neutral and non-polar, with glycine, which is neutral and non-polar, at codon 1892 of the NOTCH2 protein (p.Ala1892Gly). This variant is not present in population databases (gnomAD no frequency). This variant has not been reported in the literature in individuals affected with NOTCH2-related conditions. Invitae Evidence Modeling of protein sequence and biophysical properties (such as structural, functional, and spatial information, amino acid conservation, physicochemical variation, residue mobility, and thermodynamic stability) indicates that this missense variant is expected to disrupt NOTCH2 protein function with a positive predictive value of 80%. In summary, the available evidence is currently insufficient to determine the role of this variant in disease. Therefore, it has been classified as a Variant of Uncertain Significance.

NM_024408.4(NOTCH2):c.5675C>G (p.Ala1892Gly)

Gene: NOTCH2 (notch receptor 2; minus strand). Cytogenetic location: 1p12.
Variant type: single nucleotide variant.
Coding change: c.5675C>G on transcript NM_024408.4 (MANE Select); coding-DNA position 5675, C replaced by G.
Protein change: p.Ala1892Gly; replaces alanine 1892 with glycine.
Molecular consequence: missense variant.
Genome position (GRCh38, 1-based): chr1:119,919,418, G>C on the plus strand (C>G on the coding strand, the complement: NOTCH2 is on the minus strand). VCF-style: chr1-119919418-G-C. GRCh37 (hg19) VCF-style: chr1-120462041-G-C.
Other names: short protein forms A1892G.
Identifiers: ClinVar variation 4743582 (VCV004743582.1).